The following is an entry in ClinVar:

ClinVar aggregate classification (germline): Uncertain significance (1 of 4 stars; one submission).

Conditions:
Inborn genetic diseases. Identifiers: MedGen C0950123, MeSH D030342.

Submission:

Ambry Genetics
Classification: Uncertain significance for Inborn genetic diseases. Last evaluated: 2021-06-19. Review status: criteria provided, single submitter. Criteria: Ambry Variant Classification Scheme 2023. Collection method: clinical testing. Allele origin: germline.
Comment: Confirmed in trans with hypomorphic allele p.A371T in two siblings with PEHO-like diagnosis (Chitre, 2018). C-terminus critical for interaction with E2 conjugating enzyme, UFC1 (Oweis, 2016). Based on insufficient or conflicting evidence, the clinical significance of this alteration remains unclear.

Literature cited by the submitters: PubMed 27653677; PubMed 30287594.

NM_024818.6(UBA5):c.1214A>T (p.Ter405Leu)

Genes: NPHP3-ACAD11 (NPHP3-ACAD11 readthrough (NMD candidate); minus strand), UBA5 (ubiquitin like modifier activating enzyme 5; plus strand). Cytogenetic location: 3q22.1.
Variant type: single nucleotide variant.
Coding change: c.1214A>T on transcript NM_024818.6 (MANE Select); coding-DNA position 1214, A replaced by T.
Protein change: p.Ter405Leu.
Molecular consequence: stop lost.
Genome position (GRCh38, 1-based): chr3:132,676,525, A>T. VCF-style: chr3-132676525-A-T. GRCh37 (hg19) VCF-style: chr3-132395369-A-T.
Other names: c.1046A>T, p.Ter349Leu (NM_001320210.2, NM_198329.4); c.944A>T, p.Ter315Leu (NM_001321238.2); c.878A>T, p.Ter293Leu (NM_001321239.1).
Identifiers: ClinVar variation 2231645 (VCV002231645.2), dbSNP rs2530353801, ClinGen allele CA354577265.